The following is an entry in ClinVar:

ClinVar aggregate classification (germline): Pathogenic/Likely pathogenic. Review status: criteria provided, multiple submitters, no conflicts (2 of 4 stars). 3 submissions from 3 submitters: Pathogenic (1); Likely pathogenic (1). 1 of the submissions does not count toward it. Last evaluated 2022-06-28.

Conditions:
Retinitis pigmentosa 4 (RP4). Also called: RETINITIS PIGMENTOSA, RHODOPSIN-RELATED. Identifiers: Orphanet 791, MedGen C3151001, MONDO:0013395, OMIM 613731.

Submissions (3):

Labcorp Genetics (formerly Invitae), Labcorp
Classification: Pathogenic. Last evaluated: 2022-06-28. Review status: criteria provided, single submitter. Criteria: Invitae Variant Classification Sherloc (09022015). Collection method: clinical testing. Allele origin: germline.
Comment: This variant, c.792_794del, results in the deletion of 1 amino acid(s) of the RHO protein (p.Cys264del), but otherwise preserves the integrity of the reading frame. This variant is not present in population databases (gnomAD no frequency). This variant has been observed in individual(s) with autosomal dominant retinitis pigmentosa (PMID: 8088850). It has also been observed to segregate with disease in related individuals. ClinVar contains an entry for this variant (Variation ID: 13051). Algorithms developed to predict the effect of variants on protein structure and function are not available or were not evaluated for this variant. Experimental studies have shown that this variant affects RHO function (PMID: 30977563). For these reasons, this variant has been classified as Pathogenic.

Ocular Genomics Institute, Massachusetts Eye and Ear
Classification: Likely pathogenic for Retinitis pigmentosa 4. Last evaluated: 2021-04-08. Review status: criteria provided, single submitter. Criteria: ACMG Guidelines, 2015. Collection method: research. Allele origin: germline. Affected: yes.
Comment: Through a review of available evidence we were able to apply the following criteria: PM2, PS3, PM4. Based on this evidence we have classified this variant as Likely Pathogenic.

OMIM
Classification: Pathogenic for RETINITIS PIGMENTOSA 4. Last evaluated: 1994-05-15. Review status: no assertion criteria provided. Collection method: literature only. Allele origin: germline. Not counted in ClinVar's aggregate classification.

Literature cited by the submitters: PubMed 8088850 (cited by 3 submitters); PubMed 30977563 (cited by Labcorp Genetics (formerly Invitae), Labcorp and Ocular Genomics Institute, Massachusetts Eye and Ear).

NM_000539.3(RHO):c.789CTG[1] (p.Cys264del)

Gene: RHO (rhodopsin; plus strand). Cytogenetic location: 3q22.1.
Variant type: Microsatellite.
Coding change: c.789CTG[1] on transcript NM_000539.3 (MANE Select); one copy of the 3-base unit CTG starting at c.789; the reference has two copies in a row; one copy, 3 bases deleted; also written c.792_794del.
Protein change: p.Cys264del; deletes cysteine 264.
Molecular consequence: inframe deletion.
Genome position (GRCh38, 1-based): chr3:129,532,628-129,532,630, CTG deleted; deleting any 3 consecutive bases within chr3:129,532,625-129,532,630 gives the same sequence; the position shown is the placement nearest the transcript's 3' end. VCF-style (leftmost placement, unchanged base first): chr3-129532624-TCTG-T. GRCh37 (hg19) VCF-style: chr3-129251467-TCTG-T.
Other names: RHO, 3-BP DEL, CYS264DEL; c.792_794del (NM_000539.3); short protein forms C264del.
Identifiers: ClinVar variation 13051 (VCV000013051.7), dbSNP rs121918590, ClinGen allele CA256691.